The following is an entry in ClinVar:

NM_001170629.2(CHD8):c.238A>G (p.Lys80Glu)

Gene: CHD8 (chromodomain helicase DNA binding protein 8; minus strand). Cytogenetic location: 14q11.2.
Variant type: single nucleotide variant.
Coding change: c.238A>G on transcript NM_001170629.2 (MANE Select); coding-DNA position 238, A replaced by G.
Protein change: p.Lys80Glu; replaces lysine 80 with glutamic acid.
Molecular consequence: missense variant. On other transcripts: intron variant (1).
Genome position (GRCh38, 1-based): chr14:21,431,406, T>C on the plus strand (A>G on the coding strand, the complement: CHD8 is on the minus strand). VCF-style: chr14-21431406-T-C. GRCh37 (hg19) VCF-style: chr14-21899565-T-C.
Other names: c.6+405A>G (NM_020920.4); short protein forms K80E.
Identifiers: ClinVar variation 2501471 (VCV002501471.3), dbSNP rs2502016355, ClinGen allele CA388890091.

ClinVar aggregate classification (germline): Uncertain significance (1 of 4 stars; one submission).

Allele frequency attached by ClinVar (database versions not stated): gnomAD exomes below 0.00001.
gnomAD v4.1: 2 of 1,537,282 alleles (0.00013%); highest among the groups gnomAD compares: Non-Finnish European, 0.00017%; no homozygotes.

Submission:

GeneDx
Classification: Uncertain significance. Last evaluated: 2023-09-12. Review status: criteria provided, single submitter. Criteria: GeneDx Variant Classification Process June 2021. Collection method: clinical testing. Allele origin: germline. Affected: yes.
Comment: Not observed at significant frequency in large population cohorts (gnomAD); In silico analysis supports that this missense variant does not alter protein structure/function; Has not been previously published as pathogenic or benign to our knowledge